The following is an entry in ClinVar:

ClinVar aggregate classification (germline): Pathogenic (1 of 4 stars; one submission).

Conditions:
Dentinogenesis imperfecta type 2 (DGI1). Also called: CAPDEPONT TEETH; OPALESCENT DENTIN; OPALESCENT TEETH WITHOUT OSTEOGENESIS IMPERFECTA; Dentinogenesis imperfecta without osteogenesis imperfecta; Hereditary Opalescent Dentin; Dentinogenesis imperfecta - Shield's type II. Identifiers: Orphanet 166260, MedGen C2973527, MONDO:0007441, OMIM 125490. Disease mechanism: loss of function.

Submission:

Reference Center For Rare Oral And Dental Diseases, CRMR O-Rares, Hôpitaux Universitaires De Strasbourg
Classification: Pathogenic for Dentinogenesis imperfecta type 2. Last evaluated: 2025-09-03. Review status: criteria provided, single submitter. Criteria: ACMG Guidelines, 2015. Collection method: clinical testing. Allele origin: inherited. Inheritance: Autosomal dominant inheritance. Affected: yes. Observed: 16 variant alleles.
Comment: PVS1, PM2, PP1, PP4 (5)

NM_014208.3(DSPP):c.2652del (p.Asp884fs)

Genes: DMP1-AS1 (DMP1 and DSPP antisense RNA 1; minus strand), DSPP (dentin sialophosphoprotein; plus strand). Cytogenetic location: 4q22.1.
Variant type: Deletion.
Coding change: c.2652del on transcript NM_014208.3 (MANE Select); coding-DNA position 2652, one base deleted (C; older notation c.2652delC).
Protein change: p.Asp884fs; shifts the reading frame from aspartic acid 884.
Molecular consequence: frameshift variant.
Genome position (GRCh38, 1-based): chr4:87,615,314, C deleted. VCF-style (leftmost placement, unchanged base first): chr4-87615313-AC-A. GRCh37 (hg19) VCF-style: chr4-88536465-AC-A.
Other names: short protein forms D884fs.
Identifiers: ClinVar variation 4082233 (VCV004082233.1).
Genomic context (GRCh38, chr4:87,615,313, plus strand): 5'-GTAGTGACAGCAGCGATAGCAGTGACAGCAGCAACAGCAGTGACAGCAGTGATAGCAGTG[AC>A]AGCAACGAAAGCAGCAATAGCAGTGACAGCAGTGATAGCAGCAACAGCAGTGATAGTGAC-3'